The following is an entry in ClinVar:

NM_003482.4(KMT2D):c.7378del (p.Arg2460fs)

Gene: KMT2D (lysine methyltransferase 2D; minus strand). Cytogenetic location: 12q13.12.
Variant type: Deletion.
Coding change: c.7378del on transcript NM_003482.4 (MANE Select); coding-DNA position 7378, one base deleted (C; older notation c.7378delC).
Protein change: p.Arg2460fs; shifts the reading frame from arginine 2460.
Molecular consequence: frameshift variant.
Genome position (GRCh38, 1-based): chr12:49,040,392, G deleted on the plus strand (C on the coding strand, the reverse complement: KMT2D is on the minus strand); the first of 3 consecutive G bases (chr12:49,040,392-49,040,394); deleting any one gives the same sequence. VCF-style (leftmost placement, unchanged base first): chr12-49040391-CG-C. GRCh37 (hg19) VCF-style: chr12-49434174-CG-C.
Other names: c.7378delC (NM_003482.4); short protein forms R2460fs.
Identifiers: ClinVar variation 1033591 (VCV001033591.2), dbSNP rs1943453335, ClinGen allele CA2034961224.

ClinVar aggregate classification (germline): Pathogenic. Review status: criteria provided, multiple submitters, no conflicts (2 of 4 stars). 2 submissions from 2 submitters: Pathogenic (2). Last evaluated 2024-01-01.

Conditions:
Kabuki syndrome 1 (KABUK1). Also called: KMT2D-Related Kabuki Syndrome. Identifiers: Orphanet 2322, MedGen CN030661, MONDO:0007843, OMIM 147920.

Submissions (2):

Daryl Scott Lab, Baylor College of Medicine
Classification: Pathogenic for Kabuki syndrome 1. Last evaluated: 2024-01-01. Review status: criteria provided, single submitter. Criteria: ACMG Guidelines, 2015. Collection method: clinical testing. Allele origin: unknown. Affected: yes. Observed: 1 heterozygote.
Comment: PVS1, PM2

Baylor Genetics
Classification: Pathogenic for Kabuki syndrome 1. Last evaluated: 2018-05-27. Review status: criteria provided, single submitter. Criteria: ACMG Guidelines, 2015. Collection method: clinical testing. Allele origin: unknown. Affected: yes.
Comment: This variant was determined to be pathogenic according to ACMG Guidelines, 2015 [PMID:25741868].